The following is an entry in ClinVar:

NM_000548.5(TSC2):c.3084C>T (p.Asp1028=)

Gene: TSC2 (TSC complex subunit 2; plus strand). Cytogenetic location: 16p13.3.
Variant type: single nucleotide variant.
Coding change: c.3084C>T on transcript NM_000548.5 (MANE Select); coding-DNA position 3084, C replaced by T.
Protein change: p.Asp1028=; no amino-acid change (aspartic acid 1028 retained).
Molecular consequence: synonymous variant.
Genome position (GRCh38, 1-based): chr16:2,079,149, C>T. VCF-style: chr16-2079149-C-T. GRCh37 (hg19) VCF-style: chr16-2129150-C-T.
Other names: c.2952C>T, p.Asp984= (NM_001077183.3, NM_001370404.1); c.3084C>T, p.Asp1028= (NM_001114382.3); c.2844C>T, p.Asp948= (NM_001318827.2); c.2808C>T, p.Asp936= (NM_001318829.2); c.2352C>T, p.Asp784= (NM_001318831.2); c.2985C>T, p.Asp995= (NM_001318832.2); c.2955C>T, p.Asp985= (NM_001363528.2, NM_001370405.1, NM_021055.3).
Identifiers: ClinVar variation 536010 (VCV000536010.10), dbSNP rs1555510350, ClinGen allele CA493042757.
Genomic context (GRCh38, chr16:2,079,149, plus strand): 5'-GGCCCAGGCTGACGATAGCCTGAAAAACCTCCACCTGGAGCTCACGGAAACCTGTCTGGA[C>T]ATGATGGCTCGATACGTCTTCTCCAACTTCACGGCTGTCCCGAAGAGGTCCAGGCGGCAC-3'
Protein context (NP_000539.2, residues 1018-1038): LHLELTETCL[Asp1028=]MMARYVFSNF

ClinVar aggregate classification (germline): Benign/Likely benign. Review status: criteria provided, multiple submitters, no conflicts (2 of 4 stars). 3 submissions from 3 submitters: Benign (1); Likely benign (2). Last evaluated 2025-05-27.

Conditions:
Tuberous sclerosis 2 (TSC2). Identifiers: Orphanet 805, MedGen C1860707, MONDO:0013199, OMIM 613254.
Hereditary cancer-predisposing syndrome. Also called: Neoplastic Syndromes, Hereditary; Tumor predisposition; Hereditary Cancer Syndrome; Hereditary neoplastic syndrome. Identifiers: Orphanet 140162, MedGen C0027672, MeSH D009386, MONDO:0015356.

Submissions (3):

Myriad Genetics, Inc.
Classification: Benign for Tuberous sclerosis 2. Last evaluated: 2025-05-27. Review status: criteria provided, single submitter. Criteria: Myriad Autosomal Dominant, Autosomal Recessive and X-Linked Classification Criteria (2023). Collection method: clinical testing. Allele origin: unknown.
Comment: This variant is considered benign. This variant is a silent/synonymous amino acid change and it is not expected to impact splicing.

Labcorp Genetics (formerly Invitae), Labcorp
Classification: Likely benign for Tuberous sclerosis 2. Last evaluated: 2025-01-24. Review status: criteria provided, single submitter. Criteria: Invitae Variant Classification Sherloc (09022015). Collection method: clinical testing. Allele origin: germline.

Ambry Genetics
Classification: Likely benign for Hereditary cancer-predisposing syndrome. Last evaluated: 2024-03-07. Review status: criteria provided, single submitter. Criteria: Ambry Variant Classification Scheme 2023. Collection method: clinical testing. Allele origin: germline.